The following is an entry in ClinVar:

ClinVar aggregate classification (germline): Uncertain significance (1 of 4 stars; one submission).

Submission:

Labcorp Genetics (formerly Invitae), Labcorp
Classification: Uncertain significance. Last evaluated: 2022-07-19. Review status: criteria provided, single submitter. Criteria: Invitae Variant Classification Sherloc (09022015). Collection method: clinical testing. Allele origin: germline.
Comment: A copy number gain of the genomic region encompassing the full coding sequence of the LRP5 gene has been identified. The boundaries of this event are unknown as they extend beyond the assayed region for this gene and therefore may encompass additional genes. As the precise location of this event is unknown, it may be in tandem or it may be located elsewhere in the genome. This variant has not been reported in the literature in individuals affected with LRP5-related conditions. In summary, the available evidence is currently insufficient to determine the role of this variant in disease. Therefore, it has been classified as a Variant of Uncertain Significance.

NC_000011.9:g.(?_67759017)_(68216538_?)dup

Genes: ALDH3B1 (aldehyde dehydrogenase 3 family member B1; plus strand), C11orf24 (chromosome 11 open reading frame 24; minus strand), CHKA (choline kinase alpha; minus strand), KMT5B (lysine methyltransferase 5B; minus strand), LRP5 (LDL receptor related protein 5; plus strand) and 3 more. Cytogenetic location: 11q13.2.
Variant type: Duplication.
Identifiers: ClinVar variation 2424414 (VCV002424414.3).